The following is an entry in ClinVar:

ClinVar aggregate classification (germline): Pathogenic (1 of 4 stars; one submission).

Conditions:
Cystinosis. Also called: Cystine diathesis; Cystine storage disease; Cystinoses. Identifiers: Orphanet 213, MedGen C4316899, MONDO:0016239.

gnomAD v4.1: 8 of 1,614,160 alleles (0.0005%); highest among the groups gnomAD compares: Non-Finnish European, 0.00059%; no homozygotes.

Submission:

Myriad Genetics, Inc.
Classification: Pathogenic for Cystinosis. Last evaluated: 2025-01-13. Review status: criteria provided, single submitter. Criteria: Myriad Autosomal Dominant, Autosomal Recessive and X-Linked Classification Criteria (2023). Collection method: clinical testing. Allele origin: unknown.
Comment: NM_004937.2(CTNS):c.300T>G(Y100*) is expected to be pathogenic in the context of cystinosis. This variant is predicted to lead to an abnormal or absent protein product due to the creation of a premature termination codon in CTNS, a gene where loss-of-function variants are known to be pathogenic. Please note: this variant was assessed in the context of healthy population screening.

NM_004937.3(CTNS):c.300T>G (p.Tyr100Ter)

Genes: CTNS (cystinosin, lysosomal cystine transporter; plus strand), CTNS-AS1 (CTNS antisense RNA 1; minus strand). Cytogenetic location: 17p13.2.
Variant type: single nucleotide variant.
Coding change: c.300T>G on transcript NM_004937.3 (MANE Select); coding-DNA position 300, T replaced by G.
Protein change: p.Tyr100Ter; replaces tyrosine 100 with a stop codon.
Molecular consequence: nonsense. On other transcripts: 5 prime UTR variant (4).
Genome position (GRCh38, 1-based): chr17:3,655,072, T>G. VCF-style: chr17-3655072-T-G. GRCh37 (hg19) VCF-style: chr17-3558366-T-G.
Other names: c.300T>G, p.Tyr100Ter (NM_001031681.3, NM_001374492.1); c.-142T>G (NM_001374493.1, NM_001374494.1, NM_001374495.1 and 1 more transcripts); short protein forms Y100*.
Identifiers: ClinVar variation 5013956 (VCV005013956.1).